The following is an entry in ClinVar:

ClinVar aggregate classification (germline): Uncertain significance (1 of 4 stars; one submission).

Conditions:
Fanconi anemia complementation group O. Also called: RAD51C-Related Fanconi Anemia. Identifiers: Orphanet 84, MedGen C3150653, MONDO:0013248, OMIM 613390.

Submission:

Labcorp Genetics (formerly Invitae), Labcorp
Classification: Uncertain significance for Fanconi anemia complementation group O. Last evaluated: 2023-10-06. Review status: criteria provided, single submitter. Criteria: Invitae Variant Classification Sherloc (09022015). Collection method: clinical testing. Allele origin: germline.
Comment: This sequence change affects codon 48 of the RAD51C mRNA. It is a 'silent' change, meaning that it does not change the encoded amino acid sequence of the RAD51C protein. It affects a nucleotide within the consensus splice site. This variant is not present in population databases (gnomAD no frequency). This variant has not been reported in the literature in individuals affected with RAD51C-related conditions. Algorithms developed to predict the effect of sequence changes on RNA splicing suggest that this variant may disrupt the consensus splice site. In summary, the available evidence is currently insufficient to determine the role of this variant in disease. Therefore, it has been classified as a Variant of Uncertain Significance.

NM_058216.3(RAD51C):c.144A>G (p.Lys48=)

Gene: RAD51C (RAD51 paralog C; plus strand). Cytogenetic location: 17q22.
Variant type: single nucleotide variant.
Coding change: c.144A>G on transcript NM_058216.3 (MANE Select); coding-DNA position 144, A replaced by G.
Protein change: p.Lys48=; no amino-acid change (lysine 48 retained).
Molecular consequence: synonymous variant. On other transcripts: non-coding transcript variant (1).
Genome position (GRCh38, 1-based): chr17:58,692,787, A>G. VCF-style: chr17-58692787-A-G. GRCh37 (hg19) VCF-style: chr17-56770148-A-G.
Other names: c.144A>G, p.Lys48= (NM_002876.4, NM_058217.1).
Identifiers: ClinVar variation 2766502 (VCV002766502.3), dbSNP rs2143681035, ClinGen allele CA501074403.